The following is an entry in ClinVar:

ClinVar aggregate classification (germline): Likely benign. Review status: criteria provided, multiple submitters, no conflicts (2 of 4 stars). 3 submissions from 3 submitters: Likely benign (2). 1 of the submissions does not count toward it. Last evaluated 2025-05-17.

Conditions:
FAH-related disorder. Also called: FAH-related condition.
Tyrosinemia type I (TYRSN1). Also called: FAH DEFICIENCY; HEPATORENAL TYROSINEMIA; Tyrosinemia type 1; Fumarylacetoacetase deficiency; Deficiency of fumarylacetoacetase. Identifiers: Orphanet 882, MedGen C0268490, MONDO:0010161, OMIM 276700. Disease mechanism: loss of function.

Allele frequency attached by ClinVar (database versions not stated): gnomAD 0.00005; gnomAD exomes 0.00006; TOPMed 0.00006; ExAC 0.00008.
gnomAD v4.1: 48 of 1,609,306 alleles (0.003%); highest among the groups gnomAD compares: Middle Eastern, 0.017%; no homozygotes.

Submissions (3):

Labcorp Genetics (formerly Invitae), Labcorp
Classification: Likely benign for Tyrosinemia type I. Last evaluated: 2025-05-17. Review status: criteria provided, single submitter. Criteria: Invitae Variant Classification Sherloc (09022015). Collection method: clinical testing. Allele origin: germline.

GeneDx
Classification: Likely benign. Last evaluated: 2016-07-26. Review status: criteria provided, single submitter. Criteria: GeneDx Variant Classification (06012015). Collection method: clinical testing. Allele origin: germline. Affected: yes.
Comment: This variant is considered likely benign or benign based on one or more of the following criteria: it is a conservative change, it occurs at a poorly conserved position in the protein, it is predicted to be benign by multiple in silico algorithms, and/or has population frequency not consistent with disease.

PreventionGenetics, part of Exact Sciences
Classification: Likely benign for FAH-related condition. Last evaluated: 2022-12-08. Review status: no assertion criteria provided. Collection method: clinical testing. Allele origin: germline. Not counted in ClinVar's aggregate classification.
Comment: This variant is classified as likely benign based on ACMG/AMP sequence variant interpretation guidelines (Richards et al. 2015 PMID: 25741868, with internal and published modifications).

NM_000137.4(FAH):c.1026G>A (p.Pro342=)

Gene: FAH (fumarylacetoacetate hydrolase; plus strand). Cytogenetic location: 15q25.1.
Variant type: single nucleotide variant.
Coding change: c.1026G>A on transcript NM_000137.4 (MANE Select); coding-DNA position 1026, G replaced by A.
Protein change: p.Pro342=; no amino-acid change (proline 342 retained).
Molecular consequence: synonymous variant.
Genome position (GRCh38, 1-based): chr15:80,180,189, G>A. VCF-style: chr15-80180189-G-A. GRCh37 (hg19) VCF-style: chr15-80472531-G-A.
Other names: c.1026G>A, p.Pro342= (NM_001374377.1, NM_001374380.1).
Identifiers: ClinVar variation 387640 (VCV000387640.11), dbSNP rs748360797, ClinGen allele CA7691444.